The following is an entry in ClinVar:

ClinVar aggregate classification (germline): Uncertain significance (1 of 4 stars; one submission).

Submission:

CeGaT Center for Human Genetics Tuebingen
Classification: Uncertain significance. Last evaluated: 2026-07-01. Review status: criteria provided, single submitter. Criteria: CeGaT Center For Human Genetics Tuebingen Variant Classification Criteria Version 2. Collection method: clinical testing. Allele origin: germline. Affected: yes. Observed: 1 variant allele.
Comment: NLRP3: PM2, BP4

NM_001243133.2(NLRP3):c.322G>A (p.Glu108Lys)

Gene: NLRP3 (NLR family pyrin domain containing 3; plus strand). Cytogenetic location: 1q44.
Variant type: single nucleotide variant.
Coding change: c.322G>A on transcript NM_001243133.2 (MANE Select); coding-DNA position 322, G replaced by A.
Protein change: p.Glu108Lys; replaces glutamic acid 108 with lysine.
Molecular consequence: missense variant.
Genome position (GRCh38, 1-based): chr1:247,423,274, G>A. VCF-style: chr1-247423274-G-A. GRCh37 (hg19) VCF-style: chr1-247586576-G-A.
Other names: c.322G>A, p.Glu108Lys (NM_001079821.3, NM_001127461.3, NM_001127462.3 and 1 more transcripts); c.328G>A, p.Glu110Lys (NM_004895.5); short protein forms E108K, E110K.
Identifiers: ClinVar variation 5040115 (VCV005040115.1).
Genomic context (GRCh38, chr1:247,423,274, plus strand): 5'-TTTTTTTCCCTTTTAGGTTCAGATAATGCACGTGTTTCGAATCCCACTGTGATATGCCAG[G>A]AAGACAGCATTGAAGAGGAGTGGATGGGTTTACTGGAGTACCTTTCGAGAATCTCTATTT-3'
Protein context (NP_001230062.1, residues 98-118): RVSNPTVICQ[Glu108Lys]DSIEEEWMGL